The following is an entry in ClinVar:

NM_052947.4(ALPK2):c.6289G>A (p.Ala2097Thr)

Gene: ALPK2 (alpha kinase 2; minus strand). Cytogenetic location: 18q21.31.
Variant type: single nucleotide variant.
Coding change: c.6289G>A on transcript NM_052947.4 (MANE Select); coding-DNA position 6289, G replaced by A.
Protein change: p.Ala2097Thr; replaces alanine 2097 with threonine.
Molecular consequence: missense variant.
Genome position (GRCh38, 1-based): chr18:58,498,056, C>T on the plus strand (G>A on the coding strand, the complement: ALPK2 is on the minus strand). VCF-style: chr18-58498056-C-T. GRCh37 (hg19) VCF-style: chr18-56165288-C-T.
Other names: short protein forms A2097T.
Identifiers: ClinVar variation 1752634 (VCV001752634.2), dbSNP rs2518851757, ClinGen allele CA402541872.

ClinVar aggregate classification (germline): Uncertain significance (1 of 4 stars; one submission).

Submission:

Ambry Genetics
Classification: Uncertain significance. Last evaluated: 2022-10-12. Review status: criteria provided, single submitter. Criteria: Ambry Variant Classification Scheme 2023. Collection method: clinical testing. Allele origin: germline.
Comment: The p.A2097T variant (also known as c.6289G>A), located in coding exon 11 of the ALPK2 gene, results from a G to A substitution at nucleotide position 6289. The alanine at codon 2097 is replaced by threonine, an amino acid with similar properties. This amino acid position is conserved. In addition, this alteration is predicted to be tolerated by in silico analysis. Since supporting evidence is limited at this time, the clinical significance of this alteration remains unclear.